The following is an entry in ClinVar:

NM_017739.4(POMGNT1):c.1672dup (p.Ser558fs)

Genes: POMGNT1 (protein O-linked mannose N-acetylglucosaminyltransferase 1 (beta 1,2-); minus strand), TSPAN1 (tetraspanin 1; plus strand). Cytogenetic location: 1p34.1.
Variant type: Duplication.
Coding change: c.1672dup on transcript NM_017739.4 (MANE Select); coding-DNA position 1672, one base duplicated (A; older notation c.1672dupA).
Protein change: p.Ser558fs; shifts the reading frame from serine 558.
Molecular consequence: frameshift variant.
Genome position (GRCh38, 1-based): chr1:46,189,967, T duplicated on the plus strand (A on the coding strand, the reverse complement: POMGNT1 is on the minus strand). VCF-style (leftmost placement, unchanged base first): chr1-46189966-C-CT. GRCh37 (hg19) VCF-style: chr1-46655638-C-CT.
Other names: c.1672dup, p.Ser558fs (NM_001243766.2, NM_001410783.1); c.1606dup, p.Ser536Lysfs (NM_001290129.3); c.1243dup, p.Ser415fs (NM_001290130.2); short protein forms S415fs, S536fs, S558fs.
Identifiers: ClinVar variation 2008105 (VCV002008105.4), dbSNP rs2525345375, ClinGen allele CA2580062922.

ClinVar aggregate classification (germline): Pathogenic (1 of 4 stars; one submission).

Conditions:
Autosomal recessive limb-girdle muscular dystrophy type 2O. Also called: Limb-Girdle Muscular Dystrophy Type 3C; MUSCULAR DYSTROPHY-DYSTROGLYCANOPATHY (LIMB-GIRDLE), TYPE C, 3; MUSCULAR DYSTROPHY-DYSTROGLYCANOPATHY, LIMB-GIRDLE, POMGNT1-RELATED. Identifiers: Orphanet 206564, MedGen C3150417, MONDO:0013161, OMIM 613157.
Muscular dystrophy-dystroglycanopathy (congenital with impaired intellectual development), type B, 3. Also called: MUSCULAR DYSTROPHY, CONGENITAL, POMGNT1-RELATED; Muscular dystrophy-dystroglycanopathy (congenital with intellectual disability), type B3. Identifiers: MedGen C3150412, MONDO:0013155, OMIM 613151.

Submission:

Labcorp Genetics (formerly Invitae), Labcorp
Classification: Pathogenic for Autosomal recessive limb-girdle muscular dystrophy type 2O; Muscular dystrophy-dystroglycanopathy (congenital with impaired intellectual development), type B, 3. Last evaluated: 2022-06-18. Review status: criteria provided, single submitter. Criteria: Invitae Variant Classification Sherloc (09022015). Collection method: clinical testing. Allele origin: germline.
Comment: This variant is not present in population databases (gnomAD no frequency). This variant has not been reported in the literature in individuals affected with POMGNT1-related conditions. For these reasons, this variant has been classified as Pathogenic. This sequence change creates a premature translational stop signal (p.Ser558Lysfs*6) in the POMGNT1 gene. It is expected to result in an absent or disrupted protein product. Loss-of-function variants in POMGNT1 are known to be pathogenic (PMID: 19299310, 20816175, 21447391, 26908613, 27391550).

Literature cited by the submitters: PubMed 19299310; PubMed 20816175; PubMed 21447391; PubMed 26908613; PubMed 27391550.